The following is an entry in ClinVar:

NM_144701.3(IL23R):c.1297A>C (p.Met433Leu)

Gene: IL23R (interleukin 23 receptor; plus strand). Cytogenetic location: 1p31.3.
Variant type: single nucleotide variant.
Coding change: c.1297A>C on transcript NM_144701.3 (MANE Select); coding-DNA position 1297, A replaced by C.
Protein change: p.Met433Leu; replaces methionine 433 with leucine.
Molecular consequence: missense variant.
Genome position (GRCh38, 1-based): chr1:67,258,535, A>C. VCF-style: chr1-67258535-A-C. GRCh37 (hg19) VCF-style: chr1-67724218-A-C.
Other names: short protein forms M433L.
Identifiers: ClinVar variation 3616980 (VCV003616980.2).

ClinVar aggregate classification (germline): Uncertain significance (1 of 4 stars; one submission).

Submission:

Labcorp Genetics (formerly Invitae), Labcorp
Classification: Uncertain significance. Last evaluated: 2026-01-19. Review status: criteria provided, single submitter. Criteria: Invitae Variant Classification Sherloc (09022015). Collection method: clinical testing. Allele origin: germline.
Comment: This sequence change replaces methionine, which is neutral and non-polar, with leucine, which is neutral and non-polar, at codon 433 of the IL23R protein (p.Met433Leu). This variant is not present in population databases (gnomAD no frequency). This variant has not been reported in the literature in individuals affected with IL23R-related conditions. ClinVar contains an entry for this variant (Variation ID: 3616980). An algorithm developed to predict the effect of missense changes on protein structure and function outputs the following: PolyPhen-2: "Benign". The leucine amino acid residue is found in multiple mammalian species, which suggests that this missense change does not adversely affect protein function. In summary, the available evidence is currently insufficient to determine the role of this variant in disease. Therefore, it has been classified as a Variant of Uncertain Significance.